The following is an entry in ClinVar:

NM_000222.3(KIT):c.2531G>C (p.Cys844Ser)

Gene: KIT (KIT proto-oncogene, receptor tyrosine kinase; plus strand). Cytogenetic location: 4q12.
Variant type: single nucleotide variant.
Coding change: c.2531G>C on transcript NM_000222.3 (MANE Select); coding-DNA position 2531, G replaced by C.
Protein change: p.Cys844Ser; replaces cysteine 844 with serine.
Molecular consequence: missense variant.
Genome position (GRCh38, 1-based): chr4:54,736,544, G>C. VCF-style: chr4-54736544-G-C. GRCh37 (hg19) VCF-style: chr4-55602710-G-C.
Other names: c.2519G>C, p.Cys840Ser (NM_001093772.2, NM_001385292.1); c.2534G>C, p.Cys845Ser (NM_001385284.1); c.2528G>C, p.Cys843Ser (NM_001385285.1); c.2516G>C, p.Cys839Ser (NM_001385286.1); c.2522G>C, p.Cys841Ser (NM_001385288.1); c.2531G>C, p.Cys844Ser (NM_001385290.1); short protein forms C844S, C840S, C839S, C841S, C843S, C845S.
Identifiers: ClinVar variation 409796 (VCV000409796.11), dbSNP rs147609111, ClinGen allele CA16611611.

ClinVar aggregate classification (germline): Uncertain significance. Review status: criteria provided, multiple submitters, no conflicts (2 of 4 stars). 2 submissions from 2 submitters: Uncertain significance (2). Last evaluated 2025-01-05.

Conditions:
Hereditary cancer-predisposing syndrome. Also called: Neoplastic Syndromes, Hereditary; Hereditary Cancer Syndrome; Hereditary neoplastic syndrome; Tumor predisposition. Identifiers: Orphanet 140162, MedGen C0027672, MeSH D009386, MONDO:0015356.
Gastrointestinal stromal tumor. Also called: Gastrointestinal stroma tumor; Gastrointestinal stromal tumor, somatic. Identifiers: Orphanet 44890, MedGen C0238198, MeSH D046152, MONDO:0011719, OMIM 606764, HP:0100723.

gnomAD v4.1: 14 of 1,614,134 alleles (0.00087%); highest among the groups gnomAD compares: Non-Finnish European, 0.0011%; no homozygotes.

Submissions (2):

Ambry Genetics
Classification: Uncertain significance for Hereditary cancer-predisposing syndrome. Last evaluated: 2025-01-05. Review status: criteria provided, single submitter. Criteria: Ambry Variant Classification Scheme 2023. Collection method: clinical testing. Allele origin: germline.
Comment: The p.C844S variant (also known as c.2531G>C), located in coding exon 18 of the KIT gene, results from a G to C substitution at nucleotide position 2531. The cysteine at codon 844 is replaced by serine, an amino acid with dissimilar properties. This amino acid position is highly conserved in available vertebrate species. In addition, this alteration is predicted to be deleterious by in silico analysis. Since supporting evidence is limited at this time, the clinical significance of this alteration remains unclear.

Labcorp Genetics (formerly Invitae), Labcorp
Classification: Uncertain significance for Gastrointestinal stromal tumor. Last evaluated: 2023-07-19. Review status: criteria provided, single submitter. Criteria: Invitae Variant Classification Sherloc (09022015). Collection method: clinical testing. Allele origin: germline.
Comment: In summary, the available evidence is currently insufficient to determine the role of this variant in disease. Therefore, it has been classified as a Variant of Uncertain Significance. An algorithm developed to predict the effect of missense changes on protein structure and function (PolyPhen-2) suggests that this variant is likely to be disruptive. ClinVar contains an entry for this variant (Variation ID: 409796). This variant has not been reported in the literature in individuals affected with KIT-related conditions. This variant is present in population databases (no rsID available, gnomAD 0.0009%). This sequence change replaces cysteine, which is neutral and slightly polar, with serine, which is neutral and polar, at codon 844 of the KIT protein (p.Cys844Ser).